The following is an entry in ClinVar:

ClinVar aggregate classification (germline): Likely benign (1 of 4 stars; one submission).

Submission:

CeGaT Center for Human Genetics Tuebingen
Classification: Likely benign. Last evaluated: 2024-07-01. Review status: criteria provided, single submitter. Criteria: CeGaT Center For Human Genetics Tuebingen Variant Classification Criteria Version 2. Collection method: clinical testing. Allele origin: germline. Affected: yes. Observed: 1 variant allele.
Comment: MEG8: BS2

NR_146000.1(MEG8):n.1024G>A

Gene: MEG8 (maternally expressed 8, small nucleolar RNA host gene; plus strand). Cytogenetic location: 14q32.31.
Variant type: single nucleotide variant.
Molecular consequence: non-coding transcript variant (on NR_146000.1).
Genome position: GRCh38 VCF-style: chr14-100913503-G-A. GRCh37 (hg19) VCF-style: chr14-101379840-G-A.
Identifiers: ClinVar variation 3257240 (VCV003257240.17).